The following is an entry in ClinVar:

NM_000377.3(WAS):c.692del (p.Lys231fs)

Gene: WAS (WASP actin nucleation promoting factor; plus strand). Cytogenetic location: Xp11.23.
Variant type: Deletion.
Coding change: c.692del on transcript NM_000377.3 (MANE Select); coding-DNA position 692, one base deleted (A; older notation c.692delA).
Protein change: p.Lys231fs; shifts the reading frame from lysine 231.
Molecular consequence: frameshift variant.
Genome position (GRCh38, 1-based): chrX:48,686,913, A deleted; the last of 2 consecutive A bases (chrX:48,686,912-48,686,913); deleting either gives the same sequence. VCF-style (leftmost placement, unchanged base first): chrX-48686911-GA-G. GRCh37 (hg19) VCF-style: chrX-48545300-GA-G.
Other names: short protein forms K231fs.
Identifiers: ClinVar variation 949935 (VCV000949935.7), dbSNP rs2062422078, ClinGen allele CA1139667530.
Genomic context (GRCh38, chrX:48,686,911, plus strand): 5'-ACGATACCGTGGGCTCCCAGCACCTGGACCTAGCCCAGCTGATAAGAAACGCTCAGGGAA[GA>G]AGAAGATCAGCAAAGCTGATATTGGTGCACCCAGTGGATTCAAGTGAGAGCCACTCCCCA-3'

ClinVar aggregate classification (germline): Pathogenic (1 of 4 stars; one submission).

Conditions:
Thrombocytopenia 1. Also called: X-linked thrombocytopenia with normal platelets; THROMBOCYTOPENIA, X-LINKED, 1; X-Linked Thrombocytopenia (XLT). Identifiers: Orphanet 268322, Orphanet 852, MedGen C1839163, MONDO:0010743, OMIM 313900.
Wiskott-Aldrich syndrome (WAS). Also called: ALDRICH SYNDROME; IMMUNODEFICIENCY 2; WISKOTT-ALDRICH SYNDROME 1; Wiskott-aldrich syndrome, somatic. Identifiers: Orphanet 906, MedGen C0043194, MONDO:0010518, OMIM 301000.
X-linked severe congenital neutropenia (SCNX). Identifiers: Orphanet 86788, MedGen C1845987, MONDO:0010294, OMIM 300299.

Submission:

Labcorp Genetics (formerly Invitae), Labcorp
Classification: Pathogenic for Wiskott-Aldrich syndrome; X-linked severe congenital neutropenia; Thrombocytopenia 1. Last evaluated: 2019-06-05. Review status: criteria provided, single submitter. Criteria: Invitae Variant Classification Sherloc (09022015). Collection method: clinical testing. Allele origin: germline.
Comment: This sequence change creates a premature translational stop signal (p.Lys231Argfs*30) in the WAS gene. It is expected to result in an absent or disrupted protein product. This variant is not present in population databases (ExAC no frequency). This variant has not been reported in the literature in individuals with WAS-related conditions. Loss-of-function variants in WAS are known to be pathogenic (PMID: 15284122). For these reasons, this variant has been classified as Pathogenic.

Literature cited by the submitters: PubMed 15284122.